The following is an entry in ClinVar:

NM_000718.4(CACNA1B):c.2017A>G (p.Ile673Val)

Gene: CACNA1B (calcium voltage-gated channel subunit alpha1 B; plus strand). Cytogenetic location: 9q34.3.
Variant type: single nucleotide variant.
Coding change: c.2017A>G on transcript NM_000718.4 (MANE Select); coding-DNA position 2017, A replaced by G.
Protein change: p.Ile673Val; replaces isoleucine 673 with valine.
Molecular consequence: missense variant.
Genome position (GRCh38, 1-based): chr9:138,006,809, A>G. VCF-style: chr9-138006809-A-G. GRCh37 (hg19) VCF-style: chr9-140901261-A-G.
Other names: c.2017A>G, p.Ile673Val (NM_001243812.2); short protein forms I673V.
Identifiers: ClinVar variation 3898730 (VCV003898730.7).
Genomic context (GRCh38, chr9:138,006,809, plus strand): 5'-TTCTCTCCATCCTGGCAGATCCTGACGGGAGAGGACTGGAATGCAGTGATGTATCACGGG[A>G]TCGAATCGCAAGGCGGCGTCAGCAAAGGCATGTTCTCGTCCTTTTACTTCATTGTCCTGA-3'
Protein context (NP_000709.1, residues 663-683): EDWNAVMYHG[Ile673Val]ESQGGVSKGM

ClinVar aggregate classification (germline): Uncertain significance (1 of 4 stars; one submission).

Submission:

CeGaT Center for Human Genetics Tuebingen
Classification: Uncertain significance. Last evaluated: 2025-04-01. Review status: criteria provided, single submitter. Criteria: CeGaT Center For Human Genetics Tuebingen Variant Classification Criteria Version 2. Collection method: clinical testing. Allele origin: germline. Affected: yes. Observed: 1 variant allele.
Comment: CACNA1B: PM2